The following is an entry in ClinVar:

ClinVar aggregate classification (germline): Likely benign. Review status: reviewed by expert panel (3 of 4 stars). 2 submissions from 2 submitters: Likely benign (1). 1 of the submissions does not count toward it. Last evaluated 2025-02-25.

Conditions:
Hereditary thrombocytopenia and hematologic cancer predisposition syndrome. Identifiers: Orphanet 71290, MedGen CN281654, MONDO:0011071.
Hereditary thrombocytopenia and hematological cancer predisposition syndrome associated with RUNX1. Also called: Familial Platelet Disorder with Propensity to Acute Myelogenous Leukemia; Familial thrombocytopenia with propensity to acute myelogenous leukemia; PLATELET DISORDER, ASPIRIN-LIKE; RUNX1 Familial Platelet Disorder with Associated Myeloid Malignancies. Identifiers: Orphanet 71290, MedGen C1832388, MeSH C563324, MONDO:0100083, OMIM 601399.

Allele frequency attached by ClinVar (database versions not stated): gnomAD 0.00001.
gnomAD v4.1: 1 of 1,614,032 alleles (0.000062%); highest among the groups gnomAD compares: Non-Finnish European, 0.000085%; no homozygotes.

Submissions (2):

ClinGen Myeloid Malignancy Variant Curation Expert Panel
Classification: Likely benign for Hereditary thrombocytopenia and hematologic cancer predisposition syndrome. Last evaluated: 2025-02-25. Review status: reviewed by expert panel. Criteria: ClinGen MyeloMalig ACMG Specifications v2. Collection method: curation. Allele origin: germline. Inheritance: Autosomal dominant inheritance.
Comment: NM_001754.5(RUNX1):c.967+10T>C is an intronic variant. This variant has a SpliceAI score ≤ 0.20 (0.01) (BP4) and evolutionary conservation algorithms predict the site as not being conserved (PhyloP score ≤ 2.0 (0.171)(BP7). In summary, this variant meets the criteria to be classified as likely benign. ACMG/AMP criteria applied, as specified by the Myeloid Malignancy Variant Curation Expert Panel for RUNX1: BP4, BP7.

Labcorp Genetics (formerly Invitae), Labcorp
Classification: Likely benign for Hereditary thrombocytopenia and hematological cancer predisposition syndrome associated with RUNX1. Last evaluated: 2024-05-22. Review status: criteria provided, single submitter. Criteria: Invitae Variant Classification Sherloc (09022015). Collection method: clinical testing. Allele origin: germline. Not counted in ClinVar's aggregate classification.

NM_001754.5(RUNX1):c.967+10T>C

Gene: RUNX1 (RUNX family transcription factor 1; minus strand). Cytogenetic location: 21q22.12.
Variant type: single nucleotide variant.
Coding change: c.967+10T>C on transcript NM_001754.5 (MANE Select); 10 bases into the intron after coding-DNA position 967, T replaced by C.
Molecular consequence: intron variant.
Genome position (GRCh38, 1-based): chr21:34,799,291, A>G on the plus strand (T>C on the coding strand, the complement: RUNX1 is on the minus strand). VCF-style: chr21-34799291-A-G. GRCh37 (hg19) VCF-style: chr21-36171588-A-G.
Other names: c.886+10T>C (NM_001001890.3).
Identifiers: ClinVar variation 1129724 (VCV001129724.10), dbSNP rs2056574293, ClinGen allele CA1022023103.
Genomic context (GRCh38, chr21:34,799,291, plus strand): 5'-CATGCACCTCTAGTCTCCTGGACCTTCCACCCCAGCTCAGCTGCAAAGAATGTGTTTTCA[A>G]GTGGCTTACTTGAGAGTCGACTGGAAAGTTCTGCAGAGAGGGTTGTCATGCCGCTGGCAC-3'